The following is an entry in ClinVar:

NM_004174.4(SLC9A3):c.17C>A (p.Ala6Asp)

Gene: SLC9A3 (solute carrier family 9 member A3). Cytogenetic location: 5p15.33.
Variant type: single nucleotide variant.
Coding change: c.17C>A on transcript NM_004174.4 (MANE Select); coding-DNA position 17, C replaced by A.
Protein change: p.Ala6Asp; replaces alanine 6 with aspartic acid.
Molecular consequence: missense variant.
Genome position (GRCh38, 1-based): chr5:524,306, G>T on the plus strand (C>A on the coding strand, the complement: SLC9A3 is on the minus strand). VCF-style: chr5-524306-G-T. GRCh37 (hg19) VCF-style: chr5-524421-G-T.
Other names: c.17C>A, p.Ala6Asp (NM_001284351.3); short protein forms A6D.
Identifiers: ClinVar variation 1968379 (VCV001968379.5), dbSNP rs1579838227, ClinGen allele CA359018780.

ClinVar aggregate classification (germline): Uncertain significance (1 of 4 stars; one submission).

gnomAD v4.1: 5 of 1,281,620 alleles (0.00039%); highest among the groups gnomAD compares: Non-Finnish European, 0.0004%; no homozygotes.

Submission:

Labcorp Genetics (formerly Invitae), Labcorp
Classification: Uncertain significance. Last evaluated: 2022-10-04. Review status: criteria provided, single submitter. Criteria: Invitae Variant Classification Sherloc (09022015). Collection method: clinical testing. Allele origin: germline.
Comment: In summary, the available evidence is currently insufficient to determine the role of this variant in disease. Therefore, it has been classified as a Variant of Uncertain Significance. Experimental studies and prediction algorithms are not available or were not evaluated, and the functional significance of this variant is currently unknown. This variant has not been reported in the literature in individuals affected with SLC9A3-related conditions. This variant is not present in population databases (gnomAD no frequency). This sequence change replaces alanine, which is neutral and non-polar, with aspartic acid, which is acidic and polar, at codon 6 of the SLC9A3 protein (p.Ala6Asp).